The following is an entry in ClinVar:

ClinVar aggregate classification (germline): Pathogenic. Review status: criteria provided, multiple submitters, no conflicts (2 of 4 stars). 5 submissions from 5 submitters: Pathogenic (3). 2 of the submissions do not count toward it. Last evaluated 2024-01-16.

Conditions:
NEURODEVELOPMENTAL DISORDER, X-LINKED, WITH POOR OR ABSENT SPEECH AND BEHAVIORAL ABNORMALITIES (NEDXSB). Identifiers: MedGen CN381607, OMIM 301164.
Intellectual developmental disorder, X-linked 1. Also called: Atkin Flaitz Patil Smith syndrome; MENTAL RETARDATION, X-LINKED 18; MENTAL RETARDATION, X-LINKED 78; Intellectual disability, X-linked 1. Identifiers: Orphanet 777, MedGen C2931498, MONDO:0010656, OMIM 309530.
IQSEC2-related disorder. Also called: IQSEC2-related condition.

Submissions (5):

GeneDx
Classification: Pathogenic. Last evaluated: 2024-01-16. Review status: criteria provided, single submitter. Criteria: GeneDx Variant Classification Process June 2021. Collection method: clinical testing. Allele origin: germline. Affected: yes.
Comment: Frameshift variant predicted to result in protein elongation, as the last 15 amino acids are replaced with 132 different amino acids, and other loss-of-function variants have been reported downstream; This variant is associated with the following publications: (PMID: 20473311, 30666632)

Labcorp Genetics (formerly Invitae), Labcorp
Classification: Pathogenic for Intellectual developmental disorder, X-linked 1. Last evaluated: 2023-06-25. Review status: criteria provided, single submitter. Criteria: Invitae Variant Classification Sherloc (09022015). Collection method: clinical testing. Allele origin: germline.
Comment: For these reasons, this variant has been classified as Pathogenic. ClinVar contains an entry for this variant (Variation ID: 975247). This frameshift has been observed in individual(s) with IQSEC2-related conditions (PMID: 30666632). In at least one individual the variant was observed to be de novo. The frequency data for this variant in the population databases is considered unreliable, as metrics indicate poor data quality at this position in the gnomAD database. This sequence change results in a frameshift in the IQSEC2 gene (p.Ser1474Glnfs*133). While this is not anticipated to result in nonsense mediated decay, it is expected to disrupt the last 15 amino acid(s) of the IQSEC2 protein and extend the protein by 117 additional amino acid residues.

Blueprint Genetics
Classification: Pathogenic for IQSEC2-related disorders. Last evaluated: 2022-08-17. Review status: criteria provided, single submitter. Criteria: ACMG Guidelines, 2015. Collection method: clinical testing. Allele origin: germline. Affected: yes. Observed: 1 variant allele.

OMIM
Classification: Pathogenic for NEURODEVELOPMENTAL DISORDER, X-LINKED, WITH POOR OR ABSENT SPEECH AND BEHAVIORAL ABNORMALITIES. Last evaluated: 2026-04-15. Review status: no assertion criteria provided. Collection method: literature only. Allele origin: germline. Not counted in ClinVar's aggregate classification.

Centre de Biologie Pathologie Génétique, Centre Hospitalier Universitaire de Lille
Classification: Pathogenic for Mental retardation, X-linked 1. Last evaluated: 2019-01-01. Review status: no assertion criteria provided. Collection method: clinical testing. Allele origin: de novo. Affected: yes. Not counted in ClinVar's aggregate classification.

Literature cited by the submitters: PubMed 30666632 (cited by Labcorp Genetics (formerly Invitae), Labcorp and OMIM); Hamosh, A. Personal Communication. 2026. Baltimore, Md. (cited by OMIM); PubMed 40427528 (cited by OMIM).

NM_001111125.3(IQSEC2):c.4419dup (p.Ser1474fs)

Gene: IQSEC2 (IQ motif and Sec7 domain ArfGEF 2; minus strand). Cytogenetic location: Xp11.22.
Variant type: Duplication.
Coding change: c.4419dup on transcript NM_001111125.3 (MANE Select); coding-DNA position 4419, one base duplicated (C; older notation c.4419dupC).
Protein change: p.Ser1474fs; shifts the reading frame from serine 1474.
Molecular consequence: frameshift variant. On other transcripts: 3 prime UTR variant (1).
Genome position (GRCh38, 1-based): chrX:53,234,267, G duplicated on the plus strand (C on the coding strand, the reverse complement: IQSEC2 is on the minus strand); the first of 7 consecutive G bases (chrX:53,234,267-53,234,273); duplicating any one gives the same sequence. VCF-style (leftmost placement, unchanged base first): chrX-53234266-T-TG. GRCh37 (hg19) VCF-style: chrX-53263448-T-TG.
Other names: c.4419_4420insC (NM_001111125.2); c.*904dup (NM_015075.2); c.4419dup (NM_001111125.1); short protein forms S1474fs.
Identifiers: ClinVar variation 975247 (VCV000975247.7), dbSNP rs1569290954, ClinGen allele CA641903950.